The following is an entry in ClinVar:

NM_003482.4(KMT2D):c.13999+1del

Gene: KMT2D (lysine methyltransferase 2D; minus strand). Cytogenetic location: 12q13.12.
Variant type: Deletion.
Coding change: c.13999+1del on transcript NM_003482.4 (MANE Select); the canonical splice donor site of the intron after coding-DNA position 13999, one base deleted (G; older notation c.13999+1delG).
Molecular consequence: splice donor variant.
Genome position (GRCh38, 1-based): chr12:49,030,279, C deleted on the plus strand (G on the coding strand, the reverse complement: KMT2D is on the minus strand); the first of 4 consecutive C bases (chr12:49,030,279-49,030,282); deleting any one gives the same sequence. VCF-style (leftmost placement, unchanged base first): chr12-49030278-AC-A. GRCh37 (hg19) VCF-style: chr12-49424061-AC-A.
Identifiers: ClinVar variation 4891513 (VCV004891513.1).
Genomic context (GRCh38, chr12:49,030,278, plus strand): 5'-ACTAACTGGTTTGGACTCCAGCTACCAAACTCCACCAGGGGTGGCATCTGCTCTTGACTT[AC>A]CCCTCAGTGCCCTTTCACTATCCCGGGCAGAGGCAGCATCCTTGGGGTGCTCCCCCAGCT-3'

ClinVar aggregate classification (germline): Pathogenic (1 of 4 stars; one submission).

Submission:

GeneDx
Classification: Pathogenic. Last evaluated: 2026-03-13. Review status: criteria provided, single submitter. Criteria: GeneDx Variant Classification Process June 2021. Collection method: clinical testing. Allele origin: germline.
Comment: Canonical splice site variant predicted to result in a null allele in a gene for which loss of function is a known mechanism of disease; Not observed at significant frequency in large population cohorts (gnomAD); Has not been previously published as pathogenic or benign to our knowledge